The following is an entry in ClinVar:

NM_003383.5(VLDLR):c.902G>A (p.Arg301Gln)

Gene: VLDLR (very low density lipoprotein receptor; plus strand). Cytogenetic location: 9p24.2.
Variant type: single nucleotide variant.
Coding change: c.902G>A on transcript NM_003383.5 (MANE Select); coding-DNA position 902, G replaced by A.
Protein change: p.Arg301Gln; replaces arginine 301 with glutamine.
Molecular consequence: missense variant.
Genome position (GRCh38, 1-based): chr9:2,643,709, G>A. VCF-style: chr9-2643709-G-A. GRCh37 (hg19) VCF-style: chr9-2643709-G-A.
Other names: p.Arg301Gln; c.902G>A, p.Arg301Gln (NM_001018056.3); c.779G>A, p.Arg260Gln (NM_001322225.2, NM_001322226.2); short protein forms R301Q, R260Q.
Identifiers: ClinVar variation 130714 (VCV000130714.62), dbSNP rs139671268, ClinGen allele CA231627.

ClinVar aggregate classification (germline): Conflicting classifications of pathogenicity. Review status: criteria provided, conflicting classifications (1 of 4 stars). 9 submissions from 9 submitters: Uncertain significance (1); Benign (1); Likely benign (5). 2 of the submissions do not count toward it. Last evaluated 2026-07-01.

Conditions:
VLDLR-related disorder. Also called: VLDLR-related condition.
Cerebellar ataxia, impaired intellectual development, and dysequilibrium syndrome 1. Also called: CEREBELLAR ATAXIA AND MENTAL RETARDATION WITH OR WITHOUT QUADRUPEDAL LOCOMOTION 1; CEREBELLAR ATAXIA, CONGENITAL, AND MENTAL RETARDATION, AUTOSOMAL RECESSIVE; VLDLR Cerebellar Hypoplasia; Cerebellar hypoplasia and mental retardation with or without quadrupedal locomotion 1; Cerebellar ataxia, intellectual disability, and dysequilibrium syndrome 1; Cerebellar ataxia, mental retardation, and dysequilibrium syndrome 1. Identifiers: Orphanet 1766, MedGen C4551552, MONDO:0024542, OMIM 224050.
Intellectual disability. Also called: intellectual disabilities; Intellectual developmental disorder; Intellectual functioning disability. Identifiers: MedGen C3714756, MeSH D008607, MONDO:0001071, HP:0001249.

Allele frequency attached by ClinVar (database versions not stated): 1000 Genomes Project 30x 0.00031; 1000 Genomes Project 0.00040; ESP Exome Variant Server 0.00092; TOPMed 0.00099; gnomAD 0.00141; gnomAD exomes 0.00184 and 0.00221; ExAC 0.00265.

Submissions (9):

CeGaT Center for Human Genetics Tuebingen
Classification: Likely benign. Last evaluated: 2026-07-01. Review status: criteria provided, single submitter. Criteria: CeGaT Center For Human Genetics Tuebingen Variant Classification Criteria Version 2. Collection method: clinical testing. Allele origin: germline. Affected: yes. Observed: 5 variant alleles.
Comment: VLDLR: BS2

Labcorp Genetics (formerly Invitae), Labcorp
Classification: Likely benign. Last evaluated: 2026-01-20. Review status: criteria provided, single submitter. Criteria: Invitae Variant Classification Sherloc (09022015). Collection method: clinical testing. Allele origin: germline.

Blueprint Genetics
Classification: Likely benign. Last evaluated: 2024-11-06. Review status: criteria provided, single submitter. Criteria: ACMG Guidelines, 2015. Collection method: clinical testing. Allele origin: germline.

Mayo Clinic Laboratories, Mayo Clinic
Classification: Benign. Last evaluated: 2024-05-28. Review status: criteria provided, single submitter. Criteria: ACMG Guidelines, 2015. Collection method: clinical testing. Allele origin: germline. Observed: 3 variant alleles.
Comment: BS1, BS2, BP2

GeneDx
Classification: Likely benign. Last evaluated: 2018-03-12. Review status: criteria provided, single submitter. Criteria: GeneDx Variant Classification (06012015). Collection method: clinical testing. Allele origin: germline. Affected: yes.
Comment: This variant is considered likely benign or benign based on one or more of the following criteria: it is a conservative change, it occurs at a poorly conserved position in the protein, it is predicted to be benign by multiple in silico algorithms, and/or has population frequency not consistent with disease.

Illumina Laboratory Services, Illumina
Classification: Likely benign for Cerebellar ataxia, impaired intellectual development, and dysequilibrium syndrome 1. Last evaluated: 2017-04-27. Review status: criteria provided, single submitter. Criteria: ICSL Variant Classification Criteria 13 December 2019. Collection method: clinical testing. Allele origin: germline.
Comment: This variant was observed as part of a predisposition screen in an ostensibly healthy population. A literature search was performed for the gene, cDNA change, and amino acid change (where applicable). No publications were found based on this search. Allele frequency data from public databases allowed determination this variant is unlikely to cause disease. Therefore, this variant is classified as likely benign.

Genetic Services Laboratory, University of Chicago
Classification: Uncertain significance. Last evaluated: 2014-03-31. Review status: criteria provided, single submitter. Criteria: ACMG Guidelines, 2007. Collection method: clinical testing. Allele origin: germline. Inheritance: Autosomal recessive inheritance.

PreventionGenetics, part of Exact Sciences
Classification: Likely benign for VLDLR-related condition. Last evaluated: 2020-05-15. Review status: no assertion criteria provided. Collection method: clinical testing. Allele origin: germline. Not counted in ClinVar's aggregate classification.
Comment: This variant is classified as likely benign based on ACMG/AMP sequence variant interpretation guidelines (Richards et al. 2015 PMID: 25741868, with internal and published modifications).

Centre de Biologie Pathologie Génétique, Centre Hospitalier Universitaire de Lille
Classification: Uncertain significance for Intellectual disability. Last evaluated: 2019-01-01. Review status: no assertion criteria provided. Collection method: clinical testing. Allele origin: unknown. Affected: yes. Not counted in ClinVar's aggregate classification.

Literature cited by the submitters: PubMed 27000652 (cited by Mayo Clinic Laboratories, Mayo Clinic); PubMed 29970176 (cited by Mayo Clinic Laboratories, Mayo Clinic).